The following is an entry in ClinVar:

NM_015450.3(POT1):c.1626T>G (p.Phe542Leu)

Gene: POT1 (protection of telomeres 1; minus strand). Cytogenetic location: 7q31.33.
Variant type: single nucleotide variant.
Coding change: c.1626T>G on transcript NM_015450.3 (MANE Select); coding-DNA position 1626, T replaced by G.
Protein change: p.Phe542Leu; replaces phenylalanine 542 with leucine.
Molecular consequence: missense variant. On other transcripts: non-coding transcript variant (3).
Genome position (GRCh38, 1-based): chr7:124,827,274, A>C on the plus strand (T>G on the coding strand, the complement: POT1 is on the minus strand). VCF-style: chr7-124827274-A-C. GRCh37 (hg19) VCF-style: chr7-124467328-A-C.
Other names: c.1233T>G, p.Phe411Leu (NM_001042594.2); short protein forms F411L, F542L.
Identifiers: ClinVar variation 3901431 (VCV003901431.1).
Genomic context (GRCh38, chr7:124,827,274, plus strand): 5'-AGAATCCATGAGATAGGCTTCTAGTACTCCTGTTCCATCATCAAGTGTAAAGGTCATAAC[A>C]AACACATATTGGAGGGGTACAATACCCAGTGCTAGTGAAGGAAAAAAAGATCAAACCATA-3'
Protein context (NP_056265.2, residues 532-552): ALGIVPLQYV[Phe542Leu]VMTFTLDDGT

ClinVar aggregate classification (germline): Uncertain significance (1 of 4 stars; one submission).

Submission:

GeneDx
Classification: Uncertain significance. Last evaluated: 2024-12-06. Review status: criteria provided, single submitter. Criteria: GeneDx Variant Classification Process June 2021. Collection method: clinical testing. Allele origin: germline. Affected: yes.
Comment: Not observed at significant frequency in large population cohorts (gnomAD); In silico analysis supports that this missense variant has a deleterious effect on protein structure/function; Has not been previously published as pathogenic or benign to our knowledge; This variant is associated with the following publications: (PMID: 28393830)